The following is an entry in ClinVar:

NM_000152.5(GAA):c.1724A>T (p.Tyr575Phe)

Gene: GAA (alpha glucosidase; plus strand). Cytogenetic location: 17q25.3.
Variant type: single nucleotide variant.
Coding change: c.1724A>T on transcript NM_000152.5 (MANE Select); coding-DNA position 1724, A replaced by T.
Protein change: p.Tyr575Phe; replaces tyrosine 575 with phenylalanine.
Molecular consequence: missense variant.
Genome position (GRCh38, 1-based): chr17:80,112,070, A>T. VCF-style: chr17-80112070-A-T. GRCh37 (hg19) VCF-style: chr17-78085869-A-T.
Other names: c.1724A>T, p.Tyr575Phe (NM_001079803.3, NM_001079804.3, NM_001406741.1 and 1 more transcripts); short protein forms Y575F.
Identifiers: ClinVar variation 2682381 (VCV002682381.3), dbSNP rs1471006718, ClinGen allele CA401369090.

ClinVar aggregate classification (germline): Uncertain significance. Review status: criteria provided, multiple submitters, no conflicts (2 of 4 stars). 3 submissions from 3 submitters: Uncertain significance (3). Last evaluated 2026-07-01.

Conditions:
Glycogen storage disease, type II (IOPD). Also called: CARDIOMEGALIA GLYCOGENICA DIFFUSA; GLYCOGENOSIS, GENERALIZED, CARDIAC FORM; GSD II; Glycogen storage disease type 2; Acid maltase deficiency disease; Aglucosidase alfa. Identifiers: Orphanet 365, MedGen C0017921, MONDO:0009290, OMIM 232300.

Allele frequency attached by ClinVar (database versions not stated): TOPMed below 0.00001.

Submissions (3):

Genomenon, Inc
Classification: Uncertain significance for Glycogen storage disease, type II. Last evaluated: 2026-07-01. Review status: criteria provided, single submitter. Criteria: Genomenon Sequence Variant Interpretation Standards - Updated. Collection method: curation. Allele origin: germline. Affected: no.
Comment: GAA p.Tyr575Phe (c.1724A>T) is a missense variant that changes the amino acid at codon 575 from Tyrosine to Phenylalanine. This variant has been reported in the published literature (PMID:35614200). It is absent or not present at a significant frequency in gnomAD. In silico models predict that this variant is possibly or probably damaging. In conclusion, we classify GAA p.Tyr575Phe (c.1724A>T) as a variant of uncertain significance.

Genomic Medicine Center of Excellence, King Faisal Specialist Hospital and Research Centre
Classification: Uncertain significance for Glycogen storage disease, type II. Last evaluated: 2024-12-19. Review status: criteria provided, single submitter. Criteria: ACMG Guidelines, 2015. Collection method: clinical testing. Allele origin: germline.

Women's Health and Genetics/Laboratory Corporation of America, LabCorp
Classification: Uncertain significance. Last evaluated: 2023-11-08. Review status: criteria provided, single submitter. Criteria: LabCorp Variant Classification Summary - May 2015. Collection method: clinical testing. Allele origin: germline.
Comment: Variant summary: GAA c.1724A>T (p.Tyr575Phe) results in a conservative amino acid change located in the glycoside hydrolase family 31, TIM barrel domain (IPR000322) of the encoded protein sequence. Three of five in-silico tools predict a damaging effect of the variant on protein function. The variant was absent in 251314 control chromosomes (gnomAD). The available data on variant occurrences in the general population are insufficient to allow any conclusion about variant significance. c.1724A>T has been reported in the literature in an individual affected with Glycogen Storage Disease, Type 2 (Almeida_2022). This report does not provide unequivocal conclusions about association of the variant with Glycogen Storage Disease, Type 2 (Pompe Disease). Other variants affecting the same amino acid (Y575C, Y575S) are reported in association with glycogen storage disease in the HGMD database, suggesting this residue could be important for protein function; however, to our knowledge, no experimental evidence examining the impact of Y575F on protein function has been reported. The following publication have been ascertained in the context of this evaluation (PMID: 35614200). No submitters have cited clinical-significance assessments for this variant to ClinVar after 2014. Based on the evidence outlined above, the variant was classified as uncertain significance.

Literature cited by the submitters: PubMed 35614200 (cited by Genomenon, Inc and Women's Health and Genetics/Laboratory Corporation of America, LabCorp).